The following is an entry in ClinVar:

ClinVar aggregate classification (germline): Uncertain significance (1 of 4 stars; one submission).

Conditions:
Dilated cardiomyopathy 1G (CMD1G). Identifiers: Orphanet 154, MedGen C1858763, MONDO:0011400, OMIM 604145.
Autosomal recessive limb-girdle muscular dystrophy type 2J (LGMDR10). Also called: Limb-girdle muscular dystrophy, type 2J; MUSCULAR DYSTROPHY, LIMB-GIRDLE, AUTOSOMAL RECESSIVE 10. Identifiers: Orphanet 140922, MedGen C1837342, MONDO:0012127, OMIM 608807.

Submission:

Labcorp Genetics (formerly Invitae), Labcorp
Classification: Uncertain significance for Dilated cardiomyopathy 1G; Autosomal recessive limb-girdle muscular dystrophy type 2J. Last evaluated: 2024-06-07. Review status: criteria provided, single submitter. Criteria: Invitae Variant Classification Sherloc (09022015). Collection method: clinical testing. Allele origin: germline.
Comment: This sequence change replaces leucine, which is neutral and non-polar, with valine, which is neutral and non-polar, at codon 33898 of the TTN protein (p.Leu33898Val). This variant is not present in population databases (gnomAD no frequency). This variant has not been reported in the literature in individuals affected with TTN-related conditions. Experimental studies and prediction algorithms are not available or were not evaluated, and the functional significance of this variant is currently unknown. This variant is located in the M band of TTN (PMID: 25589632). Non-truncating variants in this region may be relevant for neuromuscular disorders, but have not been definitively shown to cause cardiomyopathy (PMID: 23975875). In summary, the available evidence is currently insufficient to determine the role of this variant in disease. Therefore, it has been classified as a Variant of Uncertain Significance.

Literature cited by the submitters: PubMed 25589632; PubMed 23975875.

NM_001267550.2(TTN):c.101692C>G (p.Leu33898Val)

Genes: TTN (titin; minus strand), TTN-AS1 (TTN antisense RNA 1; plus strand). Cytogenetic location: 2q31.2.
Variant type: single nucleotide variant.
Coding change: c.101692C>G on transcript NM_001267550.2 (MANE Select); coding-DNA position 101692, C replaced by G.
Protein change: p.Leu33898Val; replaces leucine 33898 with valine.
Molecular consequence: missense variant.
Genome position (GRCh38, 1-based): chr2:178,534,923, G>C on the plus strand (C>G on the coding strand, the complement: TTN is on the minus strand). VCF-style: chr2-178534923-G-C. GRCh37 (hg19) VCF-style: chr2-179399650-G-C.
Other names: c.96769C>G, p.Leu32257Val (NM_001256850.1); c.74497C>G, p.Leu24833Val (NM_003319.4); c.93988C>G, p.Leu31330Val (NM_133378.4); c.74872C>G, p.Leu24958Val (NM_133432.3); c.75073C>G, p.Leu25025Val (NM_133437.4); short protein forms L24833V, L24958V, L25025V, L31330V, L32257V, L33898V.
Identifiers: ClinVar variation 3756169 (VCV003756169.2).